The following is an entry in ClinVar:

NM_176787.5(PIGN):c.2651G>T (p.Ser884Ile)

Gene: PIGN (phosphatidylinositol glycan anchor biosynthesis class N; minus strand). Cytogenetic location: 18q21.33.
Variant type: single nucleotide variant.
Coding change: c.2651G>T on transcript NM_176787.5 (MANE Select); coding-DNA position 2651, G replaced by T.
Protein change: p.Ser884Ile; replaces serine 884 with isoleucine.
Molecular consequence: missense variant.
Genome position (GRCh38, 1-based): chr18:62,072,694, C>A on the plus strand (G>T on the coding strand, the complement: PIGN is on the minus strand). VCF-style: chr18-62072694-C-A. GRCh37 (hg19) VCF-style: chr18-59739927-C-A.
Other names: c.2651G>T, p.Ser884Ile (NM_012327.6); short protein forms S884I.
Identifiers: ClinVar variation 1401181 (VCV001401181.6), dbSNP rs2145718009, ClinGen allele CA402723459.

ClinVar aggregate classification (germline): Uncertain significance (1 of 4 stars; one submission).

Conditions:
Multiple congenital anomalies-hypotonia-seizures syndrome 1 (MCAHS1). Also called: PIGN-CDG; Congenital disorder of glycosylation due to PIGN deficiency; GLYCOSYLPHOSPHATIDYLINOSITOL BIOSYNTHESIS DEFECT 3. Identifiers: Orphanet 280633, MedGen C3279775, MONDO:0013563, OMIM 614080.

Submission:

Labcorp Genetics (formerly Invitae), Labcorp
Classification: Uncertain significance for Multiple congenital anomalies-hypotonia-seizures syndrome 1. Last evaluated: 2021-11-01. Review status: criteria provided, single submitter. Criteria: Invitae Variant Classification Sherloc (09022015). Collection method: clinical testing. Allele origin: germline.
Comment: In summary, the available evidence is currently insufficient to determine the role of this variant in disease. Therefore, it has been classified as a Variant of Uncertain Significance. Algorithms developed to predict the effect of missense changes on protein structure and function are either unavailable or do not agree on the potential impact of this missense change (SIFT: "Tolerated"; PolyPhen-2: "Probably Damaging"; Align-GVGD: "Class C0"). This variant has not been reported in the literature in individuals affected with PIGN-related conditions. This variant is not present in population databases (gnomAD no frequency). This sequence change replaces serine, which is neutral and polar, with isoleucine, which is neutral and non-polar, at codon 884 of the PIGN protein (p.Ser884Ile).